The following is an entry in ClinVar:

ClinVar aggregate classification (germline): Uncertain significance (1 of 4 stars; one submission).

Conditions:
CACNA1D-related disorder.

Submission:

PreventionGenetics, part of Exact Sciences
Classification: Uncertain significance for CACNA1D-related condition. Last evaluated: 2026-07-01. Review status: criteria provided, single submitter. Criteria: ACMG Guidelines, 2015. Collection method: clinical testing. Allele origin: germline.
Comment: The CACNA1D c.4212T>A variant is predicted to result in the amino acid substitution p.Asn1404Lys. To our knowledge, this variant has not been reported in the literature or in a large population database (gnomAD), indicating this variant is rare. At this time, the clinical significance of this variant is uncertain due to the absence of conclusive functional and genetic evidence.

NM_001128840.3(CACNA1D):c.4152T>A (p.Asn1384Lys)

Gene: CACNA1D (calcium voltage-gated channel subunit alpha1 D; plus strand). Cytogenetic location: 3p21.1.
Variant type: single nucleotide variant.
Coding change: c.4152T>A on transcript NM_001128840.3 (MANE Select); coding-DNA position 4152, T replaced by A.
Protein change: p.Asn1384Lys; replaces asparagine 1384 with lysine.
Molecular consequence: missense variant.
Genome position (GRCh38, 1-based): chr3:53,774,628, T>A. VCF-style: chr3-53774628-T-A. GRCh37 (hg19) VCF-style: chr3-53808655-T-A.
Other names: c.4212T>A, p.Asn1404Lys (NM_000720.4); c.4107T>A, p.Asn1369Lys (NM_001128839.3); short protein forms N1384K, N1404K, N1369K.
Identifiers: ClinVar variation 4982398 (VCV004982398.1).